The following is an entry in ClinVar:

NM_001283009.2(RTEL1):c.3499+6G>C

Genes: RTEL1 (regulator of telomere elongation helicase 1; plus strand), RTEL1-TNFRSF6B (RTEL1-TNFRSF6B readthrough (NMD candidate); plus strand). Cytogenetic location: 20q13.33.
Variant type: single nucleotide variant.
Coding change: c.3499+6G>C on transcript NM_001283009.2 (MANE Select); 6 bases into the intron after coding-DNA position 3499, G replaced by C.
Molecular consequence: intron variant.
Genome position (GRCh38, 1-based): chr20:63,695,227, G>C. VCF-style: chr20-63695227-G-C. GRCh37 (hg19) VCF-style: chr20-62326580-G-C.
Other names: c.2830+6G>C (NM_001283010.1); c.3571+6G>C (NM_032957.5); c.3499+6G>C (NM_016434.4).
Identifiers: ClinVar variation 2931458 (VCV002931458.3), dbSNP rs201617354, ClinGen allele CA636615316.
Genomic context (GRCh38, chr20:63,695,227, plus strand): 5'-CAGGAGGAGAGGCTTGCCGTGCCTCCTGTGCTTACCCACAGGGCTCCCCAACCAGGTAGG[G>C]CACCTGCCTGGCTGCTCCTGGCAGCGCCCCAACCGCACGCAGCCCTGGGAGTGAGCAGCA-3'

ClinVar aggregate classification (germline): Uncertain significance (1 of 4 stars; one submission).

Conditions:
Dyskeratosis congenita, autosomal recessive 5 (DKCB5). Identifiers: MedGen C3554656, MONDO:0014076, OMIM 615190.
Pulmonary fibrosis and/or bone marrow failure, Telomere-related, 3. Also called: PULMONARY FIBROSIS AND/OR BONE MARROW FAILURE SYNDROME, TELOMERE-RELATED, 3. Identifiers: Orphanet 2032, MedGen C4225346, MONDO:0014613, OMIM 616373.

gnomAD v4.1: 3 of 1,610,054 alleles (0.00019%); highest among the groups gnomAD compares: Middle Eastern, 0.017%; no homozygotes.

Submission:

Labcorp Genetics (formerly Invitae), Labcorp
Classification: Uncertain significance for Dyskeratosis congenita, autosomal recessive 5; Pulmonary fibrosis and/or bone marrow failure, Telomere-related, 3. Last evaluated: 2023-11-25. Review status: criteria provided, single submitter. Criteria: Invitae Variant Classification Sherloc (09022015). Collection method: clinical testing. Allele origin: germline.
Comment: This sequence change falls in intron 33 of the RTEL1 gene. It does not directly change the encoded amino acid sequence of the RTEL1 protein. It affects a nucleotide within the consensus splice site. This variant is present in population databases (no rsID available, gnomAD 0.003%). This variant has not been reported in the literature in individuals affected with RTEL1-related conditions. Variants that disrupt the consensus splice site are a relatively common cause of aberrant splicing (PMID: 17576681, 9536098). Algorithms developed to predict the effect of sequence changes on RNA splicing suggest that this variant is not likely to affect RNA splicing. In summary, the available evidence is currently insufficient to determine the role of this variant in disease. Therefore, it has been classified as a Variant of Uncertain Significance.

Literature cited by the submitters: PubMed 17576681; PubMed 9536098.